The following is an entry in ClinVar:

ClinVar aggregate classification (germline): Benign/Likely benign. Review status: criteria provided, multiple submitters, no conflicts (2 of 4 stars). 3 submissions from 3 submitters: Benign (2); Likely benign (1). Last evaluated 2025-11-19.

Conditions:
Vesicoureteral reflux 2 (VUR2). Identifiers: Orphanet 289365, MedGen C1970483, MONDO:0012573, OMIM 610878.

Allele frequency attached by ClinVar (database versions not stated): TOPMed 0.00012; gnomAD exomes 0.00039 and 0.00063; gnomAD 0.00042 and 0.00045; ExAC 0.00055.
gnomAD v4.1: 644 of 1,613,910 alleles (0.04%); highest among the groups gnomAD compares: East Asian, 0.16%; 2 homozygotes.

Submissions (3):

Labcorp Genetics (formerly Invitae), Labcorp
Classification: Benign. Last evaluated: 2025-11-19. Review status: criteria provided, single submitter. Criteria: Invitae Variant Classification Sherloc (09022015). Collection method: clinical testing. Allele origin: germline.

Fulgent Genetics
Classification: Likely benign for Vesicoureteral reflux 2. Last evaluated: 2021-10-19. Review status: criteria provided, single submitter. Criteria: ACMG Guidelines, 2015. Collection method: clinical testing. Allele origin: unknown.

Illumina Laboratory Services, Illumina
Classification: Benign for Vesicoureteral reflux 2. Last evaluated: 2018-01-13. Review status: criteria provided, single submitter. Criteria: ICSL Variant Classification Criteria 13 December 2019. Collection method: clinical testing. Allele origin: germline.
Comment: This variant was observed in the ICSL laboratory as part of a predisposition screen in an ostensibly healthy population. It had not been previously curated by ICSL or reported in the Human Gene Mutation Database (HGMD: prior to June 1st, 2018), and was therefore a candidate for classification through an automated scoring system. Utilizing variant allele frequency, disease prevalence and penetrance estimates, and inheritance mode, an automated score was calculated to assess if this variant is too frequent to cause the disease. Based on the score and internal cut-off values, a variant classified as benign is not then subjected to further curation. The score for this variant resulted in a classification of benign for this disease.

NM_001395656.1(ROBO2):c.471C>T (p.Pro157=)

Gene: ROBO2 (roundabout guidance receptor 2; plus strand). Cytogenetic location: 3p12.3.
Variant type: single nucleotide variant.
Coding change: c.471C>T on transcript NM_001395656.1 (MANE Select); coding-DNA position 471, C replaced by T.
Protein change: p.Pro157=; no amino-acid change (proline 157 retained).
Molecular consequence: synonymous variant. On other transcripts: 5 prime UTR variant (1).
Genome position (GRCh38, 1-based): chr3:77,477,496, C>T. VCF-style: chr3-77477496-C-T. GRCh37 (hg19) VCF-style: chr3-77526647-C-T.
Other names: c.519C>T, p.Pro173= (NM_001128929.3, NM_001378190.1, NM_001378191.1 and 5 more transcripts); c.471C>T, p.Pro157= (NM_001290039.2, NM_001290040.2, NM_001378193.1 and 3 more transcripts); c.-1448C>T (NM_001290065.2); c.540C>T, p.Pro180= (NM_001378192.1, NM_001378194.1, NM_001378198.1 and 5 more transcripts).
Identifiers: ClinVar variation 346677 (VCV000346677.8), dbSNP rs201406456, ClinGen allele CA2496733.